The following is an entry in ClinVar:

ClinVar aggregate classification (germline): Pathogenic (1 of 4 stars; one submission).

Submission:

GeneDx
Classification: Pathogenic. Last evaluated: 2018-11-01. Review status: criteria provided, single submitter. Criteria: GeneDx Variant Classification (06012015). Collection method: clinical testing. Allele origin: germline. Affected: yes.
Comment: The c.3707_3719del13ins24 variant in the CREBBP gene has not been reported previously as a pathogenic variant nor as a benign variant, to our knowledge. The c.3707_3719del13ins24 variant causes a frameshift starting with codon Phenylalanine 1236, changes this amino acid to a Serine residue, and creates a premature Stop codon at position 18 of the new reading frame, denoted p.Phe1236SerfsX18. This variant is predicted to cause loss of normal protein function either through protein truncation or nonsense-mediated mRNA decay. The c.3707_3719del13ins24 variant is not observed in large population cohorts (Lek et al., 2016). We interpret c.3707_3719del13ins24 as a pathogenic variant.

NM_004380.3(CREBBP):c.3707_3719delinsCTGTGATCTTGCTGACAGGTATCA (p.Phe1236fs)

Gene: CREBBP (CREB binding protein; minus strand). Cytogenetic location: 16p13.3.
Variant type: Indel.
Coding change: c.3707_3719delinsCTGTGATCTTGCTGACAGGTATCA on transcript NM_004380.3 (MANE Select); coding-DNA positions 3707 to 3719, TCTGTGAGAAGTG replaced by CTGTGATCTTGCTGACAGGTATCA.
Protein change: p.Phe1236fs; shifts the reading frame from phenylalanine 1236.
Molecular consequence: frameshift variant.
Genome position (GRCh38, 1-based): chr16:3,751,786-3,751,798, CACTTCTCACAGA replaced by TGATACCTGTCAGCAAGATCACAG on the plus strand (TCTGTGAGAAGTG replaced by CTGTGATCTTGCTGACAGGTATCA on the coding strand, the reverse complement: CREBBP is on the minus strand). GRCh37 (hg19): chr16:3,801,787-3,801,799.
Other names: c.3593_3605delinsCTGTGATCTTGCTGACAGGTATCA, p.Phe1198fs (NM_001079846.1); short protein forms F1198fs, F1236fs.
Identifiers: ClinVar variation 817900 (VCV000817900.1), dbSNP rs1596839727, ClinGen allele CA915949086.